The following is an entry in ClinVar:

NM_000195.5(HPS1):c.1116del (p.Leu374fs)

Gene: HPS1 (HPS1 biogenesis of lysosomal organelles complex 3 subunit 1; minus strand). Cytogenetic location: 10q24.2.
Variant type: Deletion.
Coding change: c.1116del on transcript NM_000195.5 (MANE Select); coding-DNA position 1116, one base deleted (G; older notation c.1116delG).
Protein change: p.Leu374fs; shifts the reading frame from leucine 374.
Molecular consequence: frameshift variant.
Genome position (GRCh38, 1-based): chr10:98,425,857, C deleted on the plus strand (G on the coding strand, the reverse complement: HPS1 is on the minus strand). VCF-style (leftmost placement, unchanged base first): chr10-98425856-GC-G. GRCh37 (hg19) VCF-style: chr10-100185613-GC-G.
Other names: c.144del, p.Leu50fs (NM_001311345.2, NM_001322487.2, NM_001322489.2); c.1116del, p.Leu374fs (NM_001322476.2, NM_001322477.2); c.1017del, p.Leu341fs (NM_001322478.2, NM_001322479.2); c.855del, p.Leu287fs (NM_001322480.2, NM_001322481.2); c.756del, p.Leu254fs (NM_001322482.2); c.747del, p.Leu251fs (NM_001322483.2, NM_001322484.2); c.648del, p.Leu218fs (NM_001322485.2); short protein forms L218fs, L251fs, L254fs, L287fs, L341fs, L374fs, L50fs.
Identifiers: ClinVar variation 5014738 (VCV005014738.1).

ClinVar aggregate classification (germline): Pathogenic (1 of 4 stars; one submission).

Conditions:
Hermansky-Pudlak syndrome 1 (HPS1). Also called: DELTA STORAGE POOL DISEASE. Identifiers: Orphanet 231500, Orphanet 79430, MedGen C2931875, MONDO:0008748, OMIM 203300.

Submission:

Myriad Genetics, Inc.
Classification: Pathogenic for Hermansky-Pudlak syndrome 1. Last evaluated: 2025-07-15. Review status: criteria provided, single submitter. Criteria: Myriad Autosomal Dominant, Autosomal Recessive and X-Linked Classification Criteria (2023). Collection method: clinical testing. Allele origin: unknown.
Comment: NM_000195.3(HPS1):c.1116delG(L374Cfs*10) is expected to be pathogenic in the context of Hermansky-Pudlak syndrome, HPS1-related. This variant is predicted to lead to an abnormal or absent protein product due to the creation of a premature termination codon in HPS1, a gene where loss-of-function variants are known to be pathogenic. Please note: this variant was assessed in the context of healthy population screening.